The following is an entry in ClinVar:

NM_001365536.1(SCN9A):c.5719_5723del (p.Gln1907fs)

Genes: SCN1A-AS1 (SCN1A and SCN9A antisense RNA 1; plus strand), SCN9A (sodium voltage-gated channel alpha subunit 9; minus strand). Cytogenetic location: 2q24.3.
Variant type: Deletion.
Coding change: c.5719_5723del on transcript NM_001365536.1 (MANE Select); coding-DNA positions 5719 to 5723, 5 bases deleted (CAAAA; older notation c.5719_5723delCAAAA).
Protein change: p.Gln1907fs; shifts the reading frame from glutamine 1907.
Molecular consequence: frameshift variant.
Genome position (GRCh38, 1-based): chr2:166,198,916-166,198,920, TTTTG deleted on the plus strand (CAAAA on the coding strand, the reverse complement: SCN9A is on the minus strand). VCF-style (leftmost placement, unchanged base first): chr2-166198915-ATTTTG-A. GRCh37 (hg19) VCF-style: chr2-167055425-ATTTTG-A.
Other names: c.5686_5690del, p.Gln1896fs (NM_002977.4); short protein forms Q1896fs, Q1907fs.
Identifiers: ClinVar variation 3754358 (VCV003754358.2).

ClinVar aggregate classification (germline): Uncertain significance (1 of 4 stars; one submission).

Conditions:
Neuropathy, hereditary sensory and autonomic, type 2A (HSAN2A). Also called: ACROOSTEOLYSIS, GIACCAI TYPE; ACROOSTEOLYSIS, NEUROGENIC; WNK1-Related HSAN2 (HSAN2A); MORVAN DISEASE; NEUROPATHY, CONGENITAL SENSORY; NEUROPATHY, HEREDITARY SENSORY RADICULAR, AUTOSOMAL RECESSIVE. Identifiers: Orphanet 970, MedGen C2752089, MONDO:0024309, OMIM 201300.
Generalized epilepsy with febrile seizures plus, type 7 (GEFSP7). Also called: GEFS+, TYPE 7. Identifiers: Orphanet 36387, MedGen C2751778, MONDO:0013470, OMIM 613863.

Submission:

Labcorp Genetics (formerly Invitae), Labcorp
Classification: Uncertain significance for Neuropathy, hereditary sensory and autonomic, type 2A; Generalized epilepsy with febrile seizures plus, type 7. Last evaluated: 2024-02-10. Review status: criteria provided, single submitter. Criteria: Invitae Variant Classification Sherloc (09022015). Collection method: clinical testing. Allele origin: germline.
Comment: This sequence change creates a premature translational stop signal (p.Gln1896Cysfs*16) in the SCN9A gene. While this is not anticipated to result in nonsense mediated decay, it is expected to disrupt the last 82 amino acid(s) of the SCN9A protein. This variant is not present in population databases (gnomAD no frequency). This variant has not been reported in the literature in individuals affected with SCN9A-related conditions. In summary, the available evidence is currently insufficient to determine the role of this variant in disease. Therefore, it has been classified as a Variant of Uncertain Significance.